The following is an entry in ClinVar:

ClinVar aggregate classification (germline): Uncertain significance (1 of 4 stars; one submission).

Conditions:
TTN-related disorder. Also called: TTN-related disorders; TTN-related condition; TTN-related disease.

gnomAD v4.1: 3 of 1,614,092 alleles (0.00019%); highest among the groups gnomAD compares: Middle Eastern, 0.033%; no homozygotes.

Submission:

PreventionGenetics, part of Exact Sciences
Classification: Uncertain significance for TTN-related condition. Last evaluated: 2026-08-27. Review status: criteria provided, single submitter. Criteria: ACMG Guidelines, 2015. Collection method: clinical testing. Allele origin: germline.
Comment: The TTN c.7067T>G variant is predicted to result in the amino acid substitution p.Ile2356Ser. To our knowledge, this variant has not been reported in the literature or in a large population database (gnomAD), indicating this variant is rare. At this time, the clinical significance of this variant is uncertain due to the absence of conclusive functional and genetic evidence.

NM_001267550.2(TTN):c.7067T>G (p.Ile2356Ser)

Genes: TTN (titin; minus strand), LOC126806433 (BRD4-independent group 4 enhancer GRCh37_chr2:179638309-179639508; plus strand). Cytogenetic location: 2q31.2.
Variant type: single nucleotide variant.
Coding change: c.7067T>G on transcript NM_001267550.2 (MANE Select); coding-DNA position 7067, T replaced by G.
Protein change: p.Ile2356Ser; replaces isoleucine 2356 with serine.
Molecular consequence: missense variant.
Genome position (GRCh38, 1-based): chr2:178,774,101, A>C on the plus strand (T>G on the coding strand, the complement: TTN is on the minus strand). VCF-style: chr2-178774101-A-C. GRCh37 (hg19) VCF-style: chr2-179638828-A-C.
Other names: c.7067T>G, p.Ile2356Ser (NM_001256850.1, NM_133378.4, NM_133379.5); c.6929T>G, p.Ile2310Ser (NM_003319.4, NM_133432.3, NM_133437.4); short protein forms I2310S, I2356S.
Identifiers: ClinVar variation 4983986 (VCV004983986.1).